The following is an entry in ClinVar:

ClinVar aggregate classification (germline): Likely benign (1 of 4 stars; one submission).

Allele frequency attached by ClinVar (database versions not stated): ExAC 0.00062.

Submission:

CeGaT Center for Human Genetics Tuebingen
Classification: Likely benign. Last evaluated: 2023-08-01. Review status: criteria provided, single submitter. Criteria: CeGaT Center For Human Genetics Tuebingen Variant Classification Criteria Version 2. Collection method: clinical testing. Allele origin: germline. Affected: yes. Observed: 1 variant allele.
Comment: MUC3A: BP4, BP7

NM_005960.2(MUC3A):c.7221T>C (p.Pro2407=)

Gene: MUC3A (mucin 3A, cell surface associated; plus strand). Cytogenetic location: 7q22.1.
Variant type: single nucleotide variant.
Coding change: c.7221T>C on transcript NM_005960.2 (MANE Select); coding-DNA position 7221, T replaced by C.
Protein change: p.Pro2407=; no amino-acid change (proline 2407 retained).
Molecular consequence: synonymous variant.
Genome position (GRCh38, 1-based): chr7:100,959,000, T>C. VCF-style: chr7-100959000-T-C. GRCh37 (hg19) VCF-style: chr7-100551129-T-C.
Identifiers: ClinVar variation 2657788 (VCV002657788.24), dbSNP rs760549664, ClinGen allele CA4397421.